The following is an entry in ClinVar:

ClinVar aggregate classification (germline): Uncertain significance (1 of 4 stars; one submission).

Conditions:
Very long chain acyl-CoA dehydrogenase deficiency (ACADVLD). Also called: Very Long-Chain Acyl-Coenzyme A Dehydrogenase Deficiency; VLCAD Deficiency. Identifiers: Orphanet 26793, MedGen C3887523, MONDO:0008723, OMIM 201475.

Submission:

Wong Mito Lab, Molecular and Human Genetics, Baylor College of Medicine
Classification: Uncertain significance for Very long chain acyl-CoA dehydrogenase deficiency. Last evaluated: 2019-11-01. Review status: criteria provided, single submitter. Criteria: ACMG Guidelines, 2015. Collection method: clinical testing. Allele origin: germline.
Comment: The NM_000018.3:c.503G>A (NP_000009.1:p.Gly168Asp) [GRCH38: NC_000017.11:g.7221563G>A] variant in ACADVL gene is interpretated to be Uncertain Significance based on ACMG guidelines (PMID: 25741868). This variant has been reported. This variant meets the following evidence codes reported in the ACMG guidelines: PM1, PP3

NM_000018.4(ACADVL):c.503G>A (p.Gly168Asp)

Gene: ACADVL (acyl-CoA dehydrogenase very long chain; plus strand). Cytogenetic location: 17p13.1.
Variant type: single nucleotide variant.
Coding change: c.503G>A on transcript NM_000018.4 (MANE Select); coding-DNA position 503, G replaced by A.
Protein change: p.Gly168Asp; replaces glycine 168 with aspartic acid.
Molecular consequence: missense variant.
Genome position (GRCh38, 1-based): chr17:7,221,563, G>A. VCF-style: chr17-7221563-G-A. GRCh37 (hg19) VCF-style: chr17-7124882-G-A.
Other names: c.437G>A, p.Gly146Asp (NM_001033859.3); c.572G>A, p.Gly191Asp (NM_001270447.2); c.275G>A, p.Gly92Asp (NM_001270448.2); short protein forms G168D, G92D, G191D, G146D.
Identifiers: ClinVar variation 932864 (VCV000932864.2), dbSNP rs2071227236, ClinGen allele CA397723045.